The following is an entry in ClinVar:

ClinVar aggregate classification (germline): Benign. Review status: criteria provided, multiple submitters, no conflicts (2 of 4 stars). 3 submissions from 3 submitters: Benign (3). Last evaluated 2018-01-13.

Conditions:
Glycogen storage disease, type I. Identifiers: Orphanet 364, MedGen C0017920, MONDO:0002413.

Allele frequency attached by ClinVar (database versions not stated): TOPMed 0.43702; gnomAD 0.44121 and 0.44780; gnomAD exomes 0.49316; 1000 Genomes Project 30x 0.51437; 1000 Genomes Project 0.52616.

Submissions (3):

Illumina Laboratory Services, Illumina
Classification: Benign for Glycogen storage disease, type I. Last evaluated: 2018-01-13. Review status: criteria provided, single submitter. Criteria: ICSL Variant Classification Criteria 13 December 2019. Collection method: clinical testing. Allele origin: germline.
Comment: This variant was observed in the ICSL laboratory as part of a predisposition screen in an ostensibly healthy population. It had not been previously curated by ICSL or reported in the Human Gene Mutation Database (HGMD: prior to June 1st, 2018), and was therefore a candidate for classification through an automated scoring system. Utilizing variant allele frequency, disease prevalence and penetrance estimates, and inheritance mode, an automated score was calculated to assess if this variant is too frequent to cause the disease. Based on the score and internal cut-off values, a variant classified as benign is not then subjected to further curation. The score for this variant resulted in a classification of benign for this disease.

GeneDx
Classification: Benign. Last evaluated: 2013-09-05. Review status: criteria provided, single submitter. Criteria: GeneDx Variant Classification (06012015). Collection method: clinical testing. Allele origin: germline. Affected: yes.
Comment: This variant is considered likely benign or benign based on one or more of the following criteria: it is a conservative change, it occurs at a poorly conserved position in the protein, it is predicted to be benign by multiple in silico algorithms, and/or has population frequency not consistent with disease.

Breakthrough Genomics
Classification: Benign. Review status: criteria provided, single submitter. Criteria: ACMG Guidelines, 2015. Collection method: not provided. Allele origin: germline. Inheritance: Autosomal recessive inheritance. Affected: yes.

NM_001164277.2(SLC37A4):c.-516G>A

Gene: SLC37A4 (solute carrier family 37 member 4; minus strand). Cytogenetic location: 11q23.3.
Variant type: single nucleotide variant.
Coding change: c.-516G>A on transcript NM_001164277.2 (MANE Select); 516 bases upstream of the start codon, G replaced by A.
Molecular consequence: 5 prime UTR variant. On other transcripts: intron variant (2).
Genome position (GRCh38, 1-based): chr11:119,030,552, C>T on the plus strand (G>A on the coding strand, the complement: SLC37A4 is on the minus strand). VCF-style: chr11-119030552-C-T. GRCh37 (hg19) VCF-style: chr11-118901262-C-T.
Other names: c.-200G>A (NM_001164278.2); c.-345+297G>A (NM_001164279.2); c.-196+297G>A (NM_001467.6).
Identifiers: ClinVar variation 139195 (VCV000139195.6), dbSNP rs3759012, ClinGen allele CA293590.